The following is an entry in ClinVar:

ClinVar aggregate classification (germline): Pathogenic. Review status: criteria provided, multiple submitters, no conflicts (2 of 4 stars). 5 submissions from 5 submitters: Pathogenic (4). 1 of the submissions does not count toward it. Last evaluated 2025-11-24.

Conditions:
Fanconi anemia (FA). Also called: Fanconi's anemia. Identifiers: Orphanet 84, MedGen C0015625, MeSH D005199, MONDO:0019391.
Congenital portosystemic shunt. Identifiers: Orphanet 480531, MedGen C1290495, MONDO:0018811.
Fanconi anemia complementation group A (FANCA). Also called: Fanconi anemia, group A; FANCA-Related Fanconi Anemia. Identifiers: Orphanet 84, MedGen C3469521, MONDO:0009215, OMIM 227650.

Allele frequency attached by ClinVar (database versions not stated): gnomAD exomes below 0.00001 and 0.00001.

Submissions (5):

Labcorp Genetics (formerly Invitae), Labcorp
Classification: Pathogenic for Fanconi anemia. Last evaluated: 2025-11-24. Review status: criteria provided, single submitter. Criteria: Invitae Variant Classification Sherloc (09022015). Collection method: clinical testing. Allele origin: germline.
Comment: This sequence change creates a premature translational stop signal (p.Ser849Phefs*40) in the FANCA gene. It is expected to result in an absent or disrupted protein product. Loss-of-function variants in FANCA are known to be pathogenic (PMID: 19367192). This variant is present in population databases (no rsID available, gnomAD 0.006%). This premature translational stop signal has been observed in individual(s) with Fanconi anemia (PMID: 10090479, 12444097, 15523645, 16445838, 23067021, 25703136, 26841305). It is commonly reported in individuals of Korean and Japanese ancestry (PMID: 15523645, 23067021). ClinVar contains an entry for this variant (Variation ID: 408166). For these reasons, this variant has been classified as Pathogenic.

Quest Diagnostics Nichols Institute San Juan Capistrano
Classification: Pathogenic. Last evaluated: 2025-02-11. Review status: criteria provided, single submitter. Criteria: Quest Diagnostics criteria. Collection method: clinical testing. Allele origin: unknown.
Comment: The FANCA c.2546del (p.Ser849Phefs*40) variant alters the translational reading frame of the FANCA mRNA and causes the premature termination of FANCA protein synthesis. This variant has been reported in the published literature in multiple individuals with Fanconi anemia of Korean and Japanese ancestry (PMID: 10090479 (1999), 12444097 (2002), 15523645 (2004), 23067021 (2013), 25703136 (2015), 26841305 (2016), 28102861 (2017), 30792206 (2019), 35171259 (2022)). This variant was identified in one individual with pancreatic cancer (PMID: 35171259 (2022)). The frequency of this variant in the general population (Genome Aggregation Database) is consistent with pathogenicity. Based on the available information, this variant is classified as pathogenic.

Natera, Inc.
Classification: Pathogenic for Fanconi anemia. Last evaluated: 2024-04-17. Review status: criteria provided, single submitter. Criteria: Natera Variant Classification Schema (03/2026). Collection method: clinical testing. Allele origin: germline.
Comment: The c.2546delC variant in FANCA is a frameshift variant predicted to shift the reading frame beginning at codon 849 and leads to a stop codon 40 codons downstream. This variant is expected to result in nonsense mediated decay, truncation, or a dysfunctional protein product. This variant is rare in the general population with a frequency below the threshold expected for the associated phenotype(s). This variant has been observed in one or more individuals affected with the associated recessive disease, as either homozygous or compound heterozygous with a second variant (PMID: 30792206). Given the available evidence, this variant is classified as Pathogenic.

Baylor Genetics
Classification: Pathogenic for Fanconi anemia complementation group A. Last evaluated: 2023-08-31. Review status: criteria provided, single submitter. Criteria: ACMG Guidelines, 2015. Collection method: clinical testing. Allele origin: unknown.

Department of Pediatrics, Graduate School of Medical Sciences, Kyushu University
Classification: Uncertain significance for Congenital portosystemic shunt. Last evaluated: 2026-02-27. Review status: flagged submission. Criteria: ACMG Guidelines, 2015. Collection method: research. Allele origin: germline. Affected: yes. Not counted in ClinVar's aggregate classification.
Comment: The variant is rare in population databases. Although loss-of-function variants in this gene have been reported in other disorders, an association between this gene and CPSS has not been established. Therefore, the clinical significance of this variant in relation to CPSS is currently classified as a variant of uncertain significance (VUS).
ClinVar note: Reason: Unnecessary conflicting claim for distinct condition when other classifications are more relevant

Literature cited by the submitters: PubMed 19367192 (cited by Labcorp Genetics (formerly Invitae), Labcorp); PubMed 10090479 (cited by Labcorp Genetics (formerly Invitae), Labcorp and Quest Diagnostics Nichols Institute San Juan Capistrano); PubMed 12444097 (cited by Labcorp Genetics (formerly Invitae), Labcorp and Quest Diagnostics Nichols Institute San Juan Capistrano); PubMed 15523645 (cited by Labcorp Genetics (formerly Invitae), Labcorp and Quest Diagnostics Nichols Institute San Juan Capistrano); PubMed 16445838 (cited by Labcorp Genetics (formerly Invitae), Labcorp); PubMed 23067021 (cited by Labcorp Genetics (formerly Invitae), Labcorp and Quest Diagnostics Nichols Institute San Juan Capistrano); PubMed 25703136 (cited by Labcorp Genetics (formerly Invitae), Labcorp and Quest Diagnostics Nichols Institute San Juan Capistrano); PubMed 26841305 (cited by Labcorp Genetics (formerly Invitae), Labcorp and Quest Diagnostics Nichols Institute San Juan Capistrano); PubMed 35171259 (cited by Quest Diagnostics Nichols Institute San Juan Capistrano); PubMed 30792206 (cited by Quest Diagnostics Nichols Institute San Juan Capistrano and Natera, Inc.); PubMed 28102861 (cited by Quest Diagnostics Nichols Institute San Juan Capistrano).

NM_000135.4(FANCA):c.2546del (p.Ser849fs)

Gene: FANCA (FA complementation group A; minus strand). Cytogenetic location: 16q24.3.
Variant type: Deletion.
Coding change: c.2546del on transcript NM_000135.4 (MANE Select); coding-DNA position 2546, one base deleted (C; older notation c.2546delC).
Protein change: p.Ser849fs; shifts the reading frame from serine 849.
Molecular consequence: frameshift variant.
Genome position (GRCh38, 1-based): chr16:89,767,196, G deleted on the plus strand (C on the coding strand, the reverse complement: FANCA is on the minus strand). VCF-style (leftmost placement, unchanged base first): chr16-89767195-AG-A. GRCh37 (hg19) VCF-style: chr16-89833603-AG-A.
Other names: c.2546del (NM_000135.2, LRG_495t1, NM_000135.3); c.2546del, p.Ser849fs (NM_001286167.3); c.2546delC (NM_000135.4, NM_000135.3); short protein forms S849fs.
Identifiers: ClinVar variation 408166 (VCV000408166.17), dbSNP rs1060501876, ClinGen allele CA16615454.